The following is an entry in ClinVar:

ClinVar aggregate classification (germline): Uncertain significance. Review status: criteria provided, multiple submitters, no conflicts (2 of 4 stars). 3 submissions from 3 submitters: Uncertain significance (3). Last evaluated 2025-07-24.

Conditions:
Retinoblastoma (RB1). Also called: RETINOBLASTOMA, SOMATIC. Identifiers: Orphanet 790, MedGen C0035335, MeSH D012175, MONDO:0008380, OMIM 180200, HP:0009919. Disease mechanism: loss of function. Inheritance: Both sporadic and heritable forms are tested..
Hereditary cancer-predisposing syndrome. Also called: Neoplastic Syndromes, Hereditary; Tumor predisposition; Hereditary Cancer Syndrome; Hereditary neoplastic syndrome. Identifiers: Orphanet 140162, MedGen C0027672, MeSH D009386, MONDO:0015356.

Allele frequency attached by ClinVar (database versions not stated): TOPMed below 0.00001; ExAC 0.00001; gnomAD 0.00001; gnomAD exomes 0.00001; ESP Exome Variant Server 0.00008.
gnomAD v4.1: 12 of 1,589,252 alleles (0.00076%); highest among the groups gnomAD compares: Non-Finnish European, 0.00069%; no homozygotes.

Submissions (3):

Labcorp Genetics (formerly Invitae), Labcorp
Classification: Uncertain significance for Retinoblastoma. Last evaluated: 2025-07-24. Review status: criteria provided, single submitter. Criteria: Invitae Variant Classification Sherloc (09022015). Collection method: clinical testing. Allele origin: germline.
Comment: This sequence change replaces leucine, which is neutral and non-polar, with valine, which is neutral and non-polar, at codon 764 of the RB1 protein (p.Leu764Val). This variant is present in population databases (rs138637932, gnomAD 0.0009%). This variant has not been reported in the literature in individuals affected with RB1-related conditions. ClinVar contains an entry for this variant (Variation ID: 527921). Invitae Evidence Modeling of protein sequence and biophysical properties (such as structural, functional, and spatial information, amino acid conservation, physicochemical variation, residue mobility, and thermodynamic stability) indicates that this missense variant is not expected to disrupt RB1 protein function with a negative predictive value of 80%. In summary, the available evidence is currently insufficient to determine the role of this variant in disease. Therefore, it has been classified as a Variant of Uncertain Significance.

Ambry Genetics
Classification: Uncertain significance for Hereditary cancer-predisposing syndrome. Last evaluated: 2025-03-22. Review status: criteria provided, single submitter. Criteria: Ambry Variant Classification Scheme 2023. Collection method: clinical testing. Allele origin: germline.
Comment: The p.L764V variant (also known as c.2290C>G), located in coding exon 22 of the RB1 gene, results from a C to G substitution at nucleotide position 2290. The leucine at codon 764 is replaced by valine, an amino acid with highly similar properties. This amino acid position is highly conserved in available vertebrate species. In addition, the in silico prediction for this alteration is inconclusive. Since supporting evidence is limited at this time, the clinical significance of this alteration remains unclear.

All of Us Research Program, National Institutes of Health
Classification: Uncertain significance for Retinoblastoma. Last evaluated: 2024-08-06. Review status: criteria provided, single submitter. Criteria: ACMG Guidelines, 2015. Collection method: clinical testing. Allele origin: germline. Inheritance: Autosomal dominant inheritance. Observed: 1 variant allele, 1 heterozygote.
Comment: This study involves interpretation of variants in research participants for the purpose of population health screening. Participant phenotype was not available at the time of variant classification. Additional details can be found in publication PMID: 35346344, PMCID: PMC8962531

NM_000321.3(RB1):c.2290C>G (p.Leu764Val)

Gene: RB1 (RB transcriptional corepressor 1; plus strand). Cytogenetic location: 13q14.2.
Variant type: single nucleotide variant.
Coding change: c.2290C>G on transcript NM_000321.3 (MANE Select); coding-DNA position 2290, C replaced by G.
Protein change: p.Leu764Val; replaces leucine 764 with valine.
Molecular consequence: missense variant.
Genome position (GRCh38, 1-based): chr13:48,465,076, C>G. VCF-style: chr13-48465076-C-G. GRCh37 (hg19) VCF-style: chr13-49039212-C-G.
Other names: short protein forms L764V.
Identifiers: ClinVar variation 527921 (VCV000527921.13), dbSNP rs138637932, ClinGen allele CA035090.